The following is an entry in ClinVar:

NM_007118.4(TRIO):c.1582G>A (p.Ala528Thr)

Gene: TRIO (trio Rho guanine nucleotide exchange factor; plus strand). Cytogenetic location: 5p15.2.
Variant type: single nucleotide variant.
Coding change: c.1582G>A on transcript NM_007118.4 (MANE Select); coding-DNA position 1582, G replaced by A.
Protein change: p.Ala528Thr; replaces alanine 528 with threonine.
Molecular consequence: missense variant. On other transcripts: non-coding transcript variant (1).
Genome position (GRCh38, 1-based): chr5:14,316,594, G>A. VCF-style: chr5-14316594-G-A. GRCh37 (hg19) VCF-style: chr5-14316703-G-A.
Other names: short protein forms A528T.
Identifiers: ClinVar variation 1254167 (VCV001254167.2), dbSNP rs775573411, ClinGen allele CA3205676.

ClinVar aggregate classification (germline): Uncertain significance (1 of 4 stars; one submission).

Allele frequency attached by ClinVar (database versions not stated): gnomAD exomes below 0.00001; ExAC 0.00001.
gnomAD v4.1: 2 of 1,614,196 alleles (0.00012%); highest among the groups gnomAD compares: Non-Finnish European, 0.00017%; no homozygotes.

Submission:

GeneDx
Classification: Uncertain significance. Last evaluated: 2021-08-20. Review status: criteria provided, single submitter. Criteria: GeneDx Variant Classification Process June 2021. Collection method: clinical testing. Allele origin: germline. Affected: yes.
Comment: In silico analysis supports that this missense variant has a deleterious effect on protein structure/function; Has not been previously published as pathogenic or benign to our knowledge; This variant is associated with the following publications: (PMID: 27535533)